The following is an entry in ClinVar:

ClinVar aggregate classification (germline): Likely benign (1 of 4 stars; one submission).

Conditions:
Familial thoracic aortic aneurysm and aortic dissection (TAAD). Also called: Thoracic aortic aneurysms and dissections. Identifiers: Orphanet 91387, MedGen C4707243, MONDO:0019625.

gnomAD v4.1: 1 of 1,612,170 alleles (0.000062%); highest among the groups gnomAD compares: Non-Finnish European, 0.000085%; no homozygotes.

Submission:

All of Us Research Program, National Institutes of Health
Classification: Likely benign for Familial thoracic aortic aneurysm and aortic dissection. Last evaluated: 2023-10-06. Review status: criteria provided, single submitter. Criteria: ACMG Guidelines, 2015. Collection method: clinical testing. Allele origin: germline. Inheritance: Autosomal dominant inheritance. Observed: 2 variant alleles, 2 heterozygotes.
Comment: This study involves interpretation of variants in research participants for the purpose of population health screening. Participant phenotype was not available at the time of variant classification. Additional details can be found in publication PMID: 35346344, PMCID: PMC8962531

NM_002474.3(MYH11):c.3817C>A (p.Arg1273=)

Gene: MYH11 (myosin heavy chain 11; minus strand). Cytogenetic location: 16p13.11.
Variant type: single nucleotide variant.
Coding change: c.3817C>A on transcript NM_002474.3 (MANE Select); coding-DNA position 3817, C replaced by A.
Protein change: p.Arg1273=; no amino-acid change (arginine 1273 retained).
Molecular consequence: synonymous variant.
Genome position (GRCh38, 1-based): chr16:15,726,889, G>T on the plus strand (C>A on the coding strand, the complement: MYH11 is on the minus strand). VCF-style: chr16-15726889-G-T. GRCh37 (hg19) VCF-style: chr16-15820746-G-T.
Other names: c.3838C>A, p.Arg1280= (NM_001040113.2, NM_001040114.2); c.3817C>A, p.Arg1273= (NM_022844.3).
Identifiers: ClinVar variation 3072161 (VCV003072161.1), dbSNP rs142227497, ClinGen allele CA493765783.